The following is an entry in ClinVar:

NM_016507.4(CDK12):c.295C>T (p.Arg99Cys)

Genes: CDK12 (cyclin dependent kinase 12; plus strand), LOC126862553 (CDK7 strongly-dependent group 2 enhancer GRCh37_chr17:37618166-37619365; plus strand). Cytogenetic location: 17q12.
Variant type: single nucleotide variant.
Coding change: c.295C>T on transcript NM_016507.4 (MANE Select); coding-DNA position 295, C replaced by T.
Protein change: p.Arg99Cys; replaces arginine 99 with cysteine.
Molecular consequence: missense variant.
Genome position (GRCh38, 1-based): chr17:39,462,366, C>T. VCF-style: chr17-39462366-C-T. GRCh37 (hg19) VCF-style: chr17-37618619-C-T.
Other names: c.295C>T, p.Arg99Cys (NM_015083.4); short protein forms R99C.
Identifiers: ClinVar variation 4651458 (VCV004651458.1).

ClinVar aggregate classification (germline): Uncertain significance (1 of 4 stars; one submission).

Submission:

Ambry Genetics
Classification: Uncertain significance. Last evaluated: 2025-11-23. Review status: criteria provided, single submitter. Criteria: Ambry Variant Classification Scheme 2023. Collection method: clinical testing. Allele origin: germline.
Comment: The p.R99C variant (also known as c.295C>T), located in coding exon 1 of the CDK12 gene, results from a C to T substitution at nucleotide position 295. The arginine at codon 99 is replaced by cysteine, an amino acid with highly dissimilar properties. This amino acid position is conserved. In addition, this alteration is predicted to be tolerated by in silico analysis. Based on the available evidence, the clinical significance of this variant remains unclear.